The following is an entry in ClinVar:

ClinVar aggregate classification (germline): Likely pathogenic (1 of 4 stars; one submission).

Conditions:
Nemaline myopathy 2 (NEM2). Also called: Nemaline myopathy 2, autosomal recessive. Identifiers: MedGen C1850569, MONDO:0009725, OMIM 256030.

Submission:

Myriad Genetics, Inc.
Classification: Likely pathogenic for Nemaline myopathy 2. Last evaluated: 2022-03-30. Review status: criteria provided, single submitter. Criteria: Myriad Women's Health Autosomal Recessive and X-Linked Classification Criteria (2021). Collection method: clinical testing. Allele origin: unknown.
Comment: NM_001271208.1(NEB):c.3277G>T(E1093*) is expected to be pathogenic in the context of NEB-related nemaline myopathy. This variant is predicted to lead to an abnormal or absent protein product due to the creation of a premature termination codon in NEB, a gene where loss-of-function variants are known to be pathogenic. Please note: this variant was assessed in the context of healthy population screening.

NM_001164508.2(NEB):c.3277G>T (p.Glu1093Ter)

Gene: NEB (nebulin; minus strand). Cytogenetic location: 2q23.3.
Variant type: single nucleotide variant.
Coding change: c.3277G>T on transcript NM_001164508.2 (MANE Select); coding-DNA position 3277, G replaced by T.
Protein change: p.Glu1093Ter; replaces glutamic acid 1093 with a stop codon.
Molecular consequence: nonsense.
Genome position (GRCh38, 1-based): chr2:151,678,166, C>A on the plus strand (G>T on the coding strand, the complement: NEB is on the minus strand). VCF-style: chr2-151678166-C-A. GRCh37 (hg19) VCF-style: chr2-152534680-C-A.
Other names: c.3277G>T, p.Glu1093Ter (NM_001164507.2, NM_001271208.2, NM_004543.5); short protein forms E1093*.
Identifiers: ClinVar variation 1725635 (VCV001725635.2), dbSNP rs2552262747, ClinGen allele CA348819479.